The following is an entry in ClinVar:

NM_003072.5(SMARCA4):c.2531T>C (p.Phe844Ser)

Gene: SMARCA4 (SWI/SNF related BAF chromatin remodeling complex subunit ATPase 4; plus strand). Cytogenetic location: 19p13.2.
Variant type: single nucleotide variant.
Coding change: c.2531T>C on transcript NM_003072.5 (MANE Select); coding-DNA position 2531, T replaced by C.
Protein change: p.Phe844Ser; replaces phenylalanine 844 with serine.
Molecular consequence: missense variant. On other transcripts: non-coding transcript variant (1).
Genome position (GRCh38, 1-based): chr19:11,019,616, T>C. VCF-style: chr19-11019616-T-C. GRCh37 (hg19) VCF-style: chr19-11130292-T-C.
Other names: c.2531T>C, p.Phe844Ser (NM_001374457.1, NM_001387283.1, NM_001411150.1 and 6 more transcripts); short protein forms F844S.
Identifiers: ClinVar variation 3320776 (VCV003320776.1).

ClinVar aggregate classification (germline): Uncertain significance (1 of 4 stars; one submission).

Conditions:
Hereditary cancer-predisposing syndrome. Also called: Neoplastic Syndromes, Hereditary; Tumor predisposition; Hereditary neoplastic syndrome; Hereditary Cancer Syndrome. Identifiers: Orphanet 140162, MedGen C0027672, MeSH D009386, MONDO:0015356.

gnomAD v4.1: 1 of 1,612,610 alleles (0.000062%); highest among the groups gnomAD compares: South Asian, 0.0011%; no homozygotes.

Submission:

Ambry Genetics
Classification: Uncertain significance for Hereditary cancer-predisposing syndrome. Last evaluated: 2024-06-21. Review status: criteria provided, single submitter. Criteria: Ambry Variant Classification Scheme 2023. Collection method: clinical testing. Allele origin: germline.
Comment: The p.F844S variant (also known as c.2531T>C), located in coding exon 17 of the SMARCA4 gene, results from a T to C substitution at nucleotide position 2531. The phenylalanine at codon 844 is replaced by serine, an amino acid with highly dissimilar properties. This amino acid position is conserved. In addition, this alteration is predicted to be deleterious by in silico analysis. Based on the available evidence, the clinical significance of this variant remains unclear.